The following is an entry in ClinVar:

NM_201253.3(CRB1):c.506G>A (p.Gly169Asp)

Gene: CRB1 (crumbs cell polarity complex component 1; plus strand). Cytogenetic location: 1q31.3.
Variant type: single nucleotide variant.
Coding change: c.506G>A on transcript NM_201253.3 (MANE Select); coding-DNA position 506, G replaced by A.
Protein change: p.Gly169Asp; replaces glycine 169 with aspartic acid.
Molecular consequence: missense variant. On other transcripts: non-coding transcript variant (2).
Genome position (GRCh38, 1-based): chr1:197,328,857, G>A. VCF-style: chr1-197328857-G-A. GRCh37 (hg19) VCF-style: chr1-197297987-G-A.
Other names: c.506G>A, p.Gly169Asp (NM_001193640.2, NM_001257966.2); c.299G>A, p.Gly100Asp (NM_001257965.2); short protein forms G169D, G100D.
Identifiers: ClinVar variation 1374966 (VCV001374966.3), dbSNP rs150314336, ClinGen allele CA1311644.

ClinVar aggregate classification (germline): Uncertain significance (1 of 4 stars; one submission).

Conditions:
Retinitis pigmentosa 12 (RP12). Also called: RP WITH OR WITHOUT PRESERVED PARAARTERIOLE RETINAL PIGMENT EPITHELIUM; RETINITIS PIGMENTOSA WITH OR WITHOUT PARAARTERIOLAR PRESERVATION OF RETINAL PIGMENT EPITHELIUM; RP WITH OR WITHOUT PPRPE. Identifiers: Orphanet 791, MedGen C1838647, MONDO:0010818, OMIM 600105.
Leber congenital amaurosis 8 (LCA8). Identifiers: Orphanet 65, MedGen C3151202, MONDO:0013453, OMIM 613835.

Allele frequency attached by ClinVar (database versions not stated): gnomAD exomes below 0.00001; ExAC 0.00001; gnomAD 0.00002; TOPMed 0.00005.
gnomAD v4.1: 4 of 1,614,064 alleles (0.00025%); highest among the groups gnomAD compares: African/African-American, 0.0053%; no homozygotes.

Submission:

Labcorp Genetics (formerly Invitae), Labcorp
Classification: Uncertain significance for Leber congenital amaurosis 8; Retinitis pigmentosa 12. Last evaluated: 2022-07-25. Review status: criteria provided, single submitter. Criteria: Invitae Variant Classification Sherloc (09022015). Collection method: clinical testing. Allele origin: germline.
Comment: This sequence change replaces glycine, which is neutral and non-polar, with aspartic acid, which is acidic and polar, at codon 169 of the CRB1 protein (p.Gly169Asp). This variant is present in population databases (rs150314336, gnomAD 0.008%). This variant has not been reported in the literature in individuals affected with CRB1-related conditions. ClinVar contains an entry for this variant (Variation ID: 1374966). Advanced modeling of protein sequence and biophysical properties (such as structural, functional, and spatial information, amino acid conservation, physicochemical variation, residue mobility, and thermodynamic stability) performed at Invitae indicates that this missense variant is expected to disrupt CRB1 protein function. In summary, the available evidence is currently insufficient to determine the role of this variant in disease. Therefore, it has been classified as a Variant of Uncertain Significance.